The following is an entry in ClinVar:

ClinVar aggregate classification (germline): Uncertain significance. Review status: criteria provided, multiple submitters, no conflicts (2 of 4 stars). 3 submissions from 3 submitters: Uncertain significance (3). Last evaluated 2026-06-08.

Conditions:
Inborn genetic diseases. Identifiers: MedGen C0950123, MeSH D030342.
Bethlem myopathy 1A. Also called: Bethlem myopathy 1; Bethlem Muscular Dystrophy; MYOPATHY, BENIGN CONGENITAL, WITH CONTRACTURES. Identifiers: Orphanet 610, MedGen CN029274, MONDO:0024530, OMIM 158810.

Allele frequency attached by ClinVar (database versions not stated): TOPMed 0.00001; gnomAD 0.00002 and 0.00004; gnomAD exomes 0.00002 and 0.00003; ExAC 0.00005.
gnomAD v4.1: 27 of 1,609,422 alleles (0.0017%); highest among the groups gnomAD compares: Admixed American, 0.0017%; no homozygotes.

Submissions (3):

Women's Health and Genetics/Laboratory Corporation of America, LabCorp
Classification: Uncertain significance. Last evaluated: 2026-06-08. Review status: criteria provided, single submitter. Criteria: LabCorp Variant Classification Summary - May 2015. Collection method: clinical testing. Allele origin: germline.
Comment: Variant summary: COL6A2 c.572C>T (p.Ala191Val) results in a non-conservative amino acid change in the encoded protein sequence. Algorithms developed to predict the effect of missense changes on protein structure and function all suggest that this variant is likely to be disruptive. The variant allele was found at a frequency of 2.5e-05 in 238912 control chromosomes. The available data on variant occurrences in the general population are insufficient to allow any conclusion about variant significance. To our knowledge, no occurrence of c.572C>T in individuals affected with COL6A2-related conditions and no experimental evidence demonstrating its impact on protein function have been reported. ClinVar contains an entry for this variant (Variation ID: 862085). Based on the evidence outlined above, the variant was classified as uncertain significance.

Ambry Genetics
Classification: Uncertain significance for Inborn genetic diseases. Last evaluated: 2025-08-20. Review status: criteria provided, single submitter. Criteria: Ambry Variant Classification Scheme 2023. Collection method: clinical testing. Allele origin: germline.

Labcorp Genetics (formerly Invitae), Labcorp
Classification: Uncertain significance for Bethlem myopathy 1A. Last evaluated: 2025-08-12. Review status: criteria provided, single submitter. Criteria: Invitae Variant Classification Sherloc (09022015). Collection method: clinical testing. Allele origin: germline.
Comment: This sequence change replaces alanine, which is neutral and non-polar, with valine, which is neutral and non-polar, at codon 191 of the COL6A2 protein (p.Ala191Val). This variant is present in population databases (rs747347320, gnomAD 0.04%). This variant has not been reported in the literature in individuals affected with COL6A2-related conditions. ClinVar contains an entry for this variant (Variation ID: 862085). Invitae Evidence Modeling of protein sequence and biophysical properties (such as structural, functional, and spatial information, amino acid conservation, physicochemical variation, residue mobility, and thermodynamic stability) has been performed for this missense variant. However, the output from this modeling did not meet the statistical confidence thresholds required to predict the impact of this variant on COL6A2 protein function. In summary, the available evidence is currently insufficient to determine the role of this variant in disease. Therefore, it has been classified as a Variant of Uncertain Significance.

NM_001849.4(COL6A2):c.572C>T (p.Ala191Val)

Gene: COL6A2 (collagen type VI alpha 2 chain; plus strand). Cytogenetic location: 21q22.3.
Variant type: single nucleotide variant.
Coding change: c.572C>T on transcript NM_001849.4 (MANE Select); coding-DNA position 572, C replaced by T.
Protein change: p.Ala191Val; replaces alanine 191 with valine.
Molecular consequence: missense variant.
Genome position (GRCh38, 1-based): chr21:46,112,435, C>T. VCF-style: chr21-46112435-C-T. GRCh37 (hg19) VCF-style: chr21-47532349-C-T.
Other names: c.572C>T, p.Ala191Val (NM_058174.3, NM_058175.3); short protein forms A191V.
Identifiers: ClinVar variation 862085 (VCV000862085.8), dbSNP rs747347320, ClinGen allele CA10071341.